The following is an entry in ClinVar:

NM_133259.4(LRPPRC):c.*2041C>T

Gene: LRPPRC (leucine rich pentatricopeptide repeat containing; minus strand). Cytogenetic location: 2p21.
Variant type: single nucleotide variant.
Coding change: c.*2041C>T on transcript NM_133259.4 (MANE Select); 2041 bases downstream of the stop codon, C replaced by T.
Molecular consequence: 3 prime UTR variant.
Genome position (GRCh38, 1-based): chr2:43,886,559, G>A on the plus strand (C>T on the coding strand, the complement: LRPPRC is on the minus strand). VCF-style: chr2-43886559-G-A. GRCh37 (hg19) VCF-style: chr2-44113698-G-A.
Identifiers: ClinVar variation 336103 (VCV000336103.5), dbSNP rs7581308, ClinGen allele CA10613874.

ClinVar aggregate classification (germline): Benign (1 of 4 stars; one submission).

Conditions:
Congenital lactic acidosis, Saguenay-Lac-Saint-Jean type (MC4DN5). Also called: CYTOCHROME c OXIDASE DEFICIENCY, FRENCH CANADIAN TYPE; COX DEFICIENCY, FRENCH CANADIAN TYPE; MITOCHONDRIAL COMPLEX IV DEFICIENCY, NUCLEAR TYPE 5. Identifiers: Orphanet 70472, MedGen C1857355, MONDO:0009069, OMIM 220111.

Allele frequency attached by ClinVar (database versions not stated): 1000 Genomes Project 30x 0.00953; 1000 Genomes Project 0.01018; TOPMed 0.01121.

Submission:

Illumina Laboratory Services, Illumina
Classification: Benign for Congenital lactic acidosis, Saguenay-Lac-Saint-Jean type. Last evaluated: 2018-01-12. Review status: criteria provided, single submitter. Criteria: ICSL Variant Classification Criteria 13 December 2019. Collection method: clinical testing. Allele origin: germline.
Comment: This variant was observed in the ICSL laboratory as part of a predisposition screen in an ostensibly healthy population. It had not been previously curated by ICSL or reported in the Human Gene Mutation Database (HGMD: prior to June 1st, 2018), and was therefore a candidate for classification through an automated scoring system. Utilizing variant allele frequency, disease prevalence and penetrance estimates, and inheritance mode, an automated score was calculated to assess if this variant is too frequent to cause the disease. Based on the score and internal cut-off values, a variant classified as benign is not then subjected to further curation. The score for this variant resulted in a classification of benign for this disease.